The following is an entry in ClinVar:

NM_001127198.5(TMC6):c.440G>A (p.Ser147Asn)

Gene: TMC6 (transmembrane channel like 6; minus strand). Cytogenetic location: 17q25.3.
Variant type: single nucleotide variant.
Coding change: c.440G>A on transcript NM_001127198.5 (MANE Select); coding-DNA position 440, G replaced by A.
Protein change: p.Ser147Asn; replaces serine 147 with asparagine.
Molecular consequence: missense variant. On other transcripts: non-coding transcript variant (4).
Genome position (GRCh38, 1-based): chr17:78,125,254, C>T on the plus strand (G>A on the coding strand, the complement: TMC6 is on the minus strand). VCF-style: chr17-78125254-C-T. GRCh37 (hg19) VCF-style: chr17-76121335-C-T.
Other names: c.440G>A, p.Ser147Asn (NM_001321185.1, NM_001374593.1, NM_001374594.1 and 4 more transcripts); c.440G>A (NM_007267.6); short protein forms S147N.
Identifiers: ClinVar variation 572907 (VCV000572907.10), dbSNP rs370392549, ClinGen allele CA294354297.

ClinVar aggregate classification (germline): Uncertain significance. Review status: criteria provided, multiple submitters, no conflicts (2 of 4 stars). 3 submissions from 3 submitters: Uncertain significance (3). Last evaluated 2025-06-19.

Conditions:
Inborn genetic diseases. Identifiers: MedGen C0950123, MeSH D030342.
Epidermodysplasia verruciformis. Identifiers: Orphanet 302, MedGen C0014522, MONDO:0009176.
TMC6-related disorder. Also called: TMC6-related condition.

Allele frequency attached by ClinVar (database versions not stated): gnomAD exomes below 0.00001 and 0.00001; gnomAD 0.00001; TOPMed 0.00003.
gnomAD v4.1: 16 of 1,569,856 alleles (0.001%); highest among the groups gnomAD compares: Admixed American, 0.0037%; no homozygotes.

Submissions (3):

Ambry Genetics
Classification: Uncertain significance for Inborn genetic diseases. Last evaluated: 2025-06-19. Review status: criteria provided, single submitter. Criteria: Ambry Variant Classification Scheme 2023. Collection method: clinical testing. Allele origin: germline.

Labcorp Genetics (formerly Invitae), Labcorp
Classification: Uncertain significance for Epidermodysplasia verruciformis. Last evaluated: 2023-11-28. Review status: criteria provided, single submitter. Criteria: Invitae Variant Classification Sherloc (09022015). Collection method: clinical testing. Allele origin: germline.
Comment: This sequence change replaces serine, which is neutral and polar, with asparagine, which is neutral and polar, at codon 147 of the TMC6 protein (p.Ser147Asn). The frequency data for this variant in the population databases is considered unreliable, as metrics indicate poor data quality at this position in the gnomAD database. This variant has not been reported in the literature in individuals affected with TMC6-related conditions. ClinVar contains an entry for this variant (Variation ID: 572907). An algorithm developed to predict the effect of missense changes on protein structure and function (PolyPhen-2) suggests that this variant¬†is likely to be tolerated. In summary, the available evidence is currently insufficient to determine the role of this variant in disease. Therefore, it has been classified as a Variant of Uncertain Significance.

PreventionGenetics, part of Exact Sciences
Classification: Uncertain significance for TMC6-related condition. Last evaluated: 2022-09-27. Review status: criteria provided, single submitter. Criteria: ACMG Guidelines, 2015. Collection method: clinical testing. Allele origin: germline.
Comment: The TMC6 c.440G>A variant is predicted to result in the amino acid substitution p.Ser147Asn. To our knowledge, this variant has not been reported in the literature. This variant is reported in 0.0% of alleles in individuals of African descent in gnomAD. At this time, the clinical significance of this variant is uncertain due to the absence of conclusive functional and genetic evidence.